The following is an entry in ClinVar:

NM_012281.3(KCND2):c.433G>A (p.Ala145Thr)

Gene: KCND2 (potassium voltage-gated channel subfamily D member 2; plus strand). Cytogenetic location: 7q31.31.
Variant type: single nucleotide variant.
Coding change: c.433G>A on transcript NM_012281.3 (MANE Select); coding-DNA position 433, G replaced by A.
Protein change: p.Ala145Thr; replaces alanine 145 with threonine.
Molecular consequence: missense variant.
Genome position (GRCh38, 1-based): chr7:120,275,065, G>A. VCF-style: chr7-120275065-G-A. GRCh37 (hg19) VCF-style: chr7-119915119-G-A.
Other names: c.433G>A (NM_012281.2); short protein forms A145T.
Identifiers: ClinVar variation 3016539 (VCV003016539.4), dbSNP rs2546907182, ClinGen allele CA369131597.
Genomic context (GRCh38, chr7:120,275,065, plus strand): 5'-ATCCCGGAAATCATCGGCGACTGCTGTTATGAGGAGTACAAGGATCGCAGGCGAGAGAAC[G>A]CCGAGCGCCTGCAGGACGACGCGGATACCGACACCGCTGGGGAGAGCGCCTTGCCCACCA-3'
Protein context (NP_036413.1, residues 135-155): EEYKDRRREN[Ala145Thr]ERLQDDADTD

ClinVar aggregate classification (germline): Uncertain significance. Review status: criteria provided, multiple submitters, no conflicts (2 of 4 stars). 2 submissions from 2 submitters: Uncertain significance (2). Last evaluated 2024-09-10.

Conditions:
Inborn genetic diseases. Identifiers: MedGen C0950123, MeSH D030342.
Early Myoclonic Encephalopathy. Identifiers: MedGen C0270855.

Submissions (2):

Ambry Genetics
Classification: Uncertain significance for Inborn genetic diseases. Last evaluated: 2024-09-10. Review status: criteria provided, single submitter. Criteria: Ambry Variant Classification Scheme 2023. Collection method: clinical testing. Allele origin: germline.

Labcorp Genetics (formerly Invitae), Labcorp
Classification: Uncertain significance for Early Myoclonic Encephalopathy. Last evaluated: 2023-01-08. Review status: criteria provided, single submitter. Criteria: Invitae Variant Classification Sherloc (09022015). Collection method: clinical testing. Allele origin: germline.
Comment: This variant is not present in population databases (gnomAD no frequency). This sequence change replaces alanine, which is neutral and non-polar, with threonine, which is neutral and polar, at codon 145 of the KCND2 protein (p.Ala145Thr). This variant has not been reported in the literature in individuals affected with KCND2-related conditions. In summary, the available evidence is currently insufficient to determine the role of this variant in disease. Therefore, it has been classified as a Variant of Uncertain Significance. Advanced modeling of protein sequence and biophysical properties (such as structural, functional, and spatial information, amino acid conservation, physicochemical variation, residue mobility, and thermodynamic stability) performed at Invitae indicates that this missense variant is not expected to disrupt KCND2 protein function.